The following is an entry in ClinVar:

NM_000161.3(GCH1):c.154G>A (p.Gly52Ser)

Gene: GCH1 (GTP cyclohydrolase 1; minus strand). Cytogenetic location: 14q22.2.
Variant type: single nucleotide variant.
Coding change: c.154G>A on transcript NM_000161.3 (MANE Select); coding-DNA position 154, G replaced by A.
Protein change: p.Gly52Ser; replaces glycine 52 with serine.
Molecular consequence: missense variant.
Genome position (GRCh38, 1-based): chr14:54,902,510, C>T on the plus strand (G>A on the coding strand, the complement: GCH1 is on the minus strand). VCF-style: chr14-54902510-C-T. GRCh37 (hg19) VCF-style: chr14-55369228-C-T.
Other names: c.154G>A, p.Gly52Ser (NM_001024024.2, NM_001024070.2, NM_001024071.2); short protein forms G52S.
Identifiers: ClinVar variation 2154572 (VCV002154572.1), dbSNP rs375788167, ClinGen allele CA7193671.

ClinVar aggregate classification (germline): Uncertain significance (1 of 4 stars; one submission).

Conditions:
Dystonia 5 (DRD). Also called: DYT-GCH1; DYSTONIA, PROGRESSIVE, WITH DIURNAL VARIATION; DYSTONIA-PARKINSONISM WITH DIURNAL FLUCTUATION; GTP Cyclohydrolase 1-Deficient Dopa-Responsive Dystonia; Dystonia, DOPA-responsive, with or without hyperphenylalaninemia. Identifiers: Orphanet 98808, MedGen C1851920, MONDO:0007495, OMIM 128230.
GTP cyclohydrolase I deficiency. Identifiers: MedGen C0268467, MONDO:0100184.

Allele frequency attached by ClinVar (database versions not stated): ExAC 0.00004; ESP Exome Variant Server 0.00008.

Submission:

Labcorp Genetics (formerly Invitae), Labcorp
Classification: Uncertain significance for GTP cyclohydrolase I deficiency; Dystonia 5. Last evaluated: 2022-09-01. Review status: criteria provided, single submitter. Criteria: Invitae Variant Classification Sherloc (09022015). Collection method: clinical testing. Allele origin: germline.
Comment: This sequence change replaces glycine, which is neutral and non-polar, with serine, which is neutral and polar, at codon 52 of the GCH1 protein (p.Gly52Ser). This variant is present in population databases (rs375788167, gnomAD 0.008%). This variant has not been reported in the literature in individuals affected with GCH1-related conditions. Advanced modeling of protein sequence and biophysical properties (such as structural, functional, and spatial information, amino acid conservation, physicochemical variation, residue mobility, and thermodynamic stability) performed at Invitae indicates that this missense variant is not expected to disrupt GCH1 protein function. In summary, the available evidence is currently insufficient to determine the role of this variant in disease. Therefore, it has been classified as a Variant of Uncertain Significance.